The following is an entry in ClinVar:

ClinVar aggregate classification (germline): Uncertain significance (1 of 4 stars; one submission).

Submission:

Labcorp Genetics (formerly Invitae), Labcorp
Classification: Uncertain significance. Last evaluated: 2022-07-15. Review status: criteria provided, single submitter. Criteria: Invitae Variant Classification Sherloc (09022015). Collection method: clinical testing. Allele origin: germline.
Comment: This sequence change replaces glutamic acid, which is acidic and polar, with glycine, which is neutral and non-polar, at codon 574 of the ARHGEF10 protein (p.Glu574Gly). This variant is not present in population databases (gnomAD no frequency). This variant has not been reported in the literature in individuals affected with ARHGEF10-related conditions. Algorithms developed to predict the effect of missense changes on protein structure and function (SIFT, PolyPhen-2, Align-GVGD) all suggest that this variant is likely to be disruptive. In summary, the available evidence is currently insufficient to determine the role of this variant in disease. Therefore, it has been classified as a Variant of Uncertain Significance.

NM_014629.4(ARHGEF10):c.1721A>G (p.Glu574Gly)

Gene: ARHGEF10 (Rho guanine nucleotide exchange factor 10; plus strand). Cytogenetic location: 8p23.3.
Variant type: single nucleotide variant.
Coding change: c.1721A>G on transcript NM_014629.4 (MANE Select); coding-DNA position 1721, A replaced by G.
Protein change: p.Glu574Gly; replaces glutamic acid 574 with glycine.
Molecular consequence: missense variant.
Genome position (GRCh38, 1-based): chr8:1,903,351, A>G. VCF-style: chr8-1903351-A-G. GRCh37 (hg19) VCF-style: chr8-1851517-A-G.
Other names: c.1607A>G, p.Glu536Gly (NM_001308152.2); c.1721A>G, p.Glu574Gly (NM_001308153.3); short protein forms E598G, E574G, E536G.
Identifiers: ClinVar variation 2097209 (VCV002097209.4), dbSNP rs2537558325, ClinGen allele CA369960536.